The following is an entry in ClinVar:

ClinVar aggregate classification (germline): Uncertain significance. Review status: criteria provided, multiple submitters, no conflicts (2 of 4 stars). 3 submissions from 3 submitters: Uncertain significance (3). Last evaluated 2026-06-30.

Conditions:
ALPK3-related disorder. Also called: ALPK3-related condition.
Cardiovascular phenotype. Identifiers: MedGen CN230736.

Allele frequency attached by ClinVar (database versions not stated): gnomAD exomes below 0.00001 and 0.00002; ExAC 0.00001; gnomAD 0.00001; TOPMed 0.00002.

Submissions (3):

PreventionGenetics, part of Exact Sciences
Classification: Uncertain significance for ALPK3-related condition. Last evaluated: 2026-06-30. Review status: criteria provided, single submitter. Criteria: ACMG Guidelines, 2015. Collection method: clinical testing. Allele origin: germline.
Comment: The ALPK3 c.2740T>G variant is predicted to result in the amino acid substitution p.Ser914Ala. To our knowledge, this variant has not been reported in the literature in association with disease. This variant is reported in 0.0016% of alleles in individuals of European (Non-Finnish) descent in gnomAD. At this time, the clinical significance of this variant is uncertain due to the absence of conclusive functional and genetic evidence.

Ambry Genetics
Classification: Uncertain significance for Cardiovascular phenotype. Last evaluated: 2025-03-23. Review status: criteria provided, single submitter. Criteria: Ambry Variant Classification Scheme 2023. Collection method: clinical testing. Allele origin: germline.
Comment: The p.S914A variant (also known as c.2740T>G), located in coding exon 6 of the ALPK3 gene, results from a T to G substitution at nucleotide position 2740. The serine at codon 914 is replaced by alanine, an amino acid with similar properties. This alteration has been reported in an exome sequencing cohort (Miller JB et al. Neurobiol Dis, 2020 Sep;143:104972). This amino acid position is poorly conserved in available vertebrate species. In addition, this alteration is predicted to be tolerated by in silico analysis. Since supporting evidence is limited at this time, the clinical significance of this alteration remains unclear.

Labcorp Genetics (formerly Invitae), Labcorp
Classification: Uncertain significance. Last evaluated: 2025-02-26. Review status: criteria provided, single submitter. Criteria: Invitae Variant Classification Sherloc (09022015). Collection method: clinical testing. Allele origin: germline.
Comment: This sequence change replaces serine, which is neutral and polar, with alanine, which is neutral and non-polar, at codon 914 of the ALPK3 protein (p.Ser914Ala). This variant is present in population databases (rs571389749, gnomAD 0.002%). This variant has not been reported in the literature in individuals affected with ALPK3-related conditions. ClinVar contains an entry for this variant (Variation ID: 1446737). Invitae Evidence Modeling of protein sequence and biophysical properties (such as structural, functional, and spatial information, amino acid conservation, physicochemical variation, residue mobility, and thermodynamic stability) indicates that this missense variant is not expected to disrupt ALPK3 protein function with a negative predictive value of 80%. In summary, the available evidence is currently insufficient to determine the role of this variant in disease. Therefore, it has been classified as a Variant of Uncertain Significance.

Literature cited by the submitters: PubMed 32574725 (cited by Ambry Genetics).

NM_020778.5(ALPK3):c.2134T>G (p.Ser712Ala)

Gene: ALPK3 (alpha kinase 3; plus strand). Cytogenetic location: 15q25.3.
Variant type: single nucleotide variant.
Coding change: c.2134T>G on transcript NM_020778.5 (MANE Select); coding-DNA position 2134, T replaced by G.
Protein change: p.Ser712Ala; replaces serine 712 with alanine.
Molecular consequence: missense variant.
Genome position (GRCh38, 1-based): chr15:84,856,872, T>G. VCF-style: chr15-84856872-T-G. GRCh37 (hg19) VCF-style: chr15-85400103-T-G.
Other names: c.2740T>G (NM_020778.4); short protein forms S712A.
Identifiers: ClinVar variation 1446737 (VCV001446737.13), dbSNP rs571389749, ClinGen allele CA7709344.